The following is an entry in ClinVar:

NM_005535.3(IL12RB1):c.1056C>T (p.Asn352=)

Gene: IL12RB1 (interleukin 12 receptor subunit beta 1; minus strand). Cytogenetic location: 19p13.11.
Variant type: single nucleotide variant.
Coding change: c.1056C>T on transcript NM_005535.3 (MANE Select); coding-DNA position 1056, C replaced by T.
Protein change: p.Asn352=; no amino-acid change (asparagine 352 retained).
Molecular consequence: synonymous variant.
Genome position (GRCh38, 1-based): chr19:18,069,679, G>A on the plus strand (C>T on the coding strand, the complement: IL12RB1 is on the minus strand). VCF-style: chr19-18069679-G-A. GRCh37 (hg19) VCF-style: chr19-18180489-G-A.
Other names: c.1056C>T, p.Asn352= (NM_001290023.2); c.1176C>T, p.Asn392= (NM_001290024.2).
Identifiers: ClinVar variation 773900 (VCV000773900.17), dbSNP rs61734349, ClinGen allele CA9304973.

ClinVar aggregate classification (germline): Benign/Likely benign. Review status: criteria provided, multiple submitters, no conflicts (2 of 4 stars). 4 submissions from 4 submitters: Benign (2); Likely benign (1). 1 of the submissions does not count toward it. Last evaluated 2026-01-12.

Conditions:
Mendelian susceptibility to mycobacterial diseases due to complete IL12RB1 deficiency. Also called: IL12RB1 DEFICIENCY; Immunodeficiency 30. Identifiers: Orphanet 319552, MedGen C4013949, MONDO:0013955, OMIM 614891.
IL12RB1-related disorder. Also called: IL12RB1-related condition.

Allele frequency attached by ClinVar (database versions not stated): ESP Exome Variant Server 0.00095; gnomAD 0.00126 and 0.00135; TOPMed 0.00144; 1000 Genomes Project 30x 0.00406; 1000 Genomes Project 0.00419.
gnomAD v4.1: 827 of 1,612,436 alleles (0.051%); highest among the groups gnomAD compares: East Asian, 1.3%; 2 homozygotes.

Submissions (4):

Labcorp Genetics (formerly Invitae), Labcorp
Classification: Benign for Mendelian susceptibility to mycobacterial diseases due to complete IL12RB1 deficiency. Last evaluated: 2026-01-12. Review status: criteria provided, single submitter. Criteria: Invitae Variant Classification Sherloc (09022015). Collection method: clinical testing. Allele origin: germline.

Blueprint Genetics
Classification: Likely benign. Last evaluated: 2024-11-26. Review status: criteria provided, single submitter. Criteria: ACMG Guidelines, 2015. Collection method: clinical testing. Allele origin: germline.

Illumina Laboratory Services, Illumina
Classification: Benign for Mendelian susceptibility to mycobacterial diseases due to complete IL12RB1 deficiency. Last evaluated: 2017-04-27. Review status: criteria provided, single submitter. Criteria: ICSL Variant Classification Criteria 13 December 2019. Collection method: clinical testing. Allele origin: germline.
Comment: This variant was observed as part of a predisposition screen in an ostensibly healthy population. A literature search was performed for the gene, cDNA change, and amino acid change (where applicable). Publications were found based on this search. The evidence from the literature, in combination with allele frequency data from public databases where available, was sufficient to rule this variant out of causing disease. Therefore, this variant is classified as benign.

PreventionGenetics, part of Exact Sciences
Classification: Benign for IL12RB1-related condition. Last evaluated: 2019-08-09. Review status: no assertion criteria provided. Collection method: clinical testing. Allele origin: germline. Not counted in ClinVar's aggregate classification.
Comment: This variant is classified as benign based on ACMG/AMP sequence variant interpretation guidelines (Richards et al. 2015 PMID: 25741868, with internal and published modifications).

Literature cited by the submitters: PubMed 17392024 (cited by Illumina Laboratory Services, Illumina).